The following is an entry in ClinVar:

NM_000038.6(APC):c.3454C>T (p.Gln1152Ter)

Gene: APC (APC regulator of Wnt signaling pathway; plus strand). Cytogenetic location: 5q22.2.
Variant type: single nucleotide variant.
Coding change: c.3454C>T on transcript NM_000038.6 (MANE Select); coding-DNA position 3454, C replaced by T.
Protein change: p.Gln1152Ter; replaces glutamine 1152 with a stop codon.
Molecular consequence: nonsense.
Genome position (GRCh38, 1-based): chr5:112,839,048, C>T. VCF-style: chr5-112839048-C-T. GRCh37 (hg19) VCF-style: chr5-112174745-C-T.
Other names: c.3454C>T, p.Gln1152Ter (NM_001127510.3, NM_001354895.2); c.3400C>T, p.Gln1134Ter (NM_001127511.3); c.3508C>T, p.Gln1170Ter (NM_001354896.2); c.3484C>T, p.Gln1162Ter (NM_001354897.2); c.3379C>T, p.Gln1127Ter (NM_001354898.2); c.3370C>T, p.Gln1124Ter (NM_001354899.2); c.3331C>T, p.Gln1111Ter (NM_001354900.2); c.3277C>T, p.Gln1093Ter (NM_001354901.2); and 5 more; short protein forms Q1134*, Q1152*, Q1026*, Q1061*, Q1111*, Q1124*, Q1127*, Q1170*.
Identifiers: ClinVar variation 433645 (VCV000433645.9), dbSNP rs1064795228, ClinGen allele CA16028909.

ClinVar aggregate classification (germline): Pathogenic. Review status: criteria provided, multiple submitters, no conflicts (2 of 4 stars). 4 submissions from 4 submitters: Pathogenic (3). 1 of the submissions does not count toward it. Last evaluated 2025-02-28.

Conditions:
Familial adenomatous polyposis 1 (FAP1). Also called: POLYPOSIS, ADENOMATOUS INTESTINAL; FAMILIAL ADENOMATOUS POLYPOSIS 1, ATTENUATED. Identifiers: MedGen C2713442, MONDO:0021056, OMIM 175100. Disease mechanism: loss of function.
Hereditary cancer-predisposing syndrome. Also called: Hereditary Cancer Syndrome; Hereditary neoplastic syndrome; Neoplastic Syndromes, Hereditary; Tumor predisposition. Identifiers: Orphanet 140162, MedGen C0027672, MeSH D009386, MONDO:0015356.

Allele frequency attached by ClinVar (database versions not stated): gnomAD exomes below 0.00001.
gnomAD v4.1: 1 of 1,614,000 alleles (0.000062%); highest among the groups gnomAD compares: Non-Finnish European, 0.000085%; no homozygotes.

Submissions (4):

Ambry Genetics
Classification: Pathogenic for Hereditary cancer-predisposing syndrome. Last evaluated: 2025-02-28. Review status: criteria provided, single submitter. Criteria: Ambry Variant Classification Scheme 2023. Collection method: clinical testing. Allele origin: germline.
Comment: The p.Q1152* pathogenic mutation (also known as c.3454C>T), located in coding exon 15 of the APC gene, results from a C to T substitution at nucleotide position 3454. This changes the amino acid from a glutamine to a stop codon within coding exon 15. This alteration occurs at the 3' terminus of theAPC gene, is not expected to trigger nonsense-mediated mRNA decay, and impacts the last 59% of the protein. However, premature stop codons are typically deleterious in nature and a significant portion of the protein is affected (Ambry internal data). This variant was reported in individual(s) with features consistent with APC-related Familial Adenomatous Polyposis (Wallis YL et al. J Med Genet, 1999 Jan;36:14-20; Rivera B et al. Ann Oncol, 2011 Apr;22:903-909). This variant is considered to be rare based on population cohorts in the Genome Aggregation Database (gnomAD). Based on the supporting evidence, this variant is interpreted as a disease-causing mutation.

Myriad Genetics, Inc.
Classification: Pathogenic for Familial adenomatous polyposis 1. Last evaluated: 2023-05-08. Review status: criteria provided, single submitter. Criteria: Myriad Autosomal Dominant, Autosomal Recessive and X-Linked Classification Criteria (2023). Collection method: clinical testing. Allele origin: unknown.
Comment: This variant is considered pathogenic. This variant creates a termination codon and is predicted to result in premature protein truncation.

Labcorp Genetics (formerly Invitae), Labcorp
Classification: Pathogenic for Familial adenomatous polyposis 1. Last evaluated: 2022-12-09. Review status: criteria provided, single submitter. Criteria: Invitae Variant Classification Sherloc (09022015). Collection method: clinical testing. Allele origin: germline.
Comment: For these reasons, this variant has been classified as Pathogenic. A different truncation (p.Tyr2645Lysfs*14) that lies downstream of this variant has been determined to be pathogenic (PMID: 9824584, 1316610, 27081525, 8381579, 22135120, Invitae). This suggests that deletion of this region of the APC protein is causative of disease. This variant is expected to disrupt the EB1 and HDLG binding sites, which mediate interactions with the cytoskeleton (PMID: 15311282, 17293347). While functional studies have not been performed to directly test the effect on APC protein function, this suggests that disruption of the C-terminal portion of the protein is functionally important. ClinVar contains an entry for this variant (Variation ID: 433645). This premature translational stop signal has been observed in individual(s) with clinical features of familial adenomatous polyposis (PMID: 8990002, 12007223, 17486639). This variant is not present in population databases (gnomAD no frequency). This sequence change creates a premature translational stop signal (p.Gln1152*) in the APC gene. While this is not anticipated to result in nonsense mediated decay, it is expected to disrupt the last 1692 amino acid(s) of the APC protein.

Department of Pathology and Laboratory Medicine, Sinai Health System
Classification: Uncertain significance. Review status: no assertion criteria provided. Collection method: clinical testing. Allele origin: unknown. Affected: yes. Observed: 2 variant alleles. Study: The Canadian Open Genetics Repository (COGR). Not counted in ClinVar's aggregate classification.

Literature cited by the submitters: PubMed 20924072 (cited by Ambry Genetics); PubMed 9950360 (cited by Ambry Genetics); PubMed 9824584 (cited by Labcorp Genetics (formerly Invitae), Labcorp); PubMed 1316610 (cited by Labcorp Genetics (formerly Invitae), Labcorp); PubMed 27081525 (cited by Labcorp Genetics (formerly Invitae), Labcorp); PubMed 8381579 (cited by Labcorp Genetics (formerly Invitae), Labcorp); PubMed 22135120 (cited by Labcorp Genetics (formerly Invitae), Labcorp); PubMed 15311282 (cited by Labcorp Genetics (formerly Invitae), Labcorp); PubMed 17293347 (cited by Labcorp Genetics (formerly Invitae), Labcorp); PubMed 8990002 (cited by Labcorp Genetics (formerly Invitae), Labcorp); PubMed 12007223 (cited by Labcorp Genetics (formerly Invitae), Labcorp); PubMed 17486639 (cited by Labcorp Genetics (formerly Invitae), Labcorp).